The following is an entry in ClinVar:

NM_014804.3(KIAA0753):c.934C>T (p.Arg312Trp)

Gene: KIAA0753 (KIAA0753; minus strand). Cytogenetic location: 17p13.1.
Variant type: single nucleotide variant.
Coding change: c.934C>T on transcript NM_014804.3 (MANE Select); coding-DNA position 934, C replaced by T.
Protein change: p.Arg312Trp; replaces arginine 312 with tryptophan.
Molecular consequence: missense variant. On other transcripts: non-coding transcript variant (3).
Genome position (GRCh38, 1-based): chr17:6,623,052, G>A on the plus strand (C>T on the coding strand, the complement: KIAA0753 is on the minus strand). VCF-style: chr17-6623052-G-A. GRCh37 (hg19) VCF-style: chr17-6526372-G-A.
Other names: c.37C>T, p.Arg13Trp (NM_001351225.2); c.934C>T (NM_014804.2); short protein forms R13W, R312W.
Identifiers: ClinVar variation 1440474 (VCV001440474.9), dbSNP rs199499810, ClinGen allele CA8330647.

ClinVar aggregate classification (germline): Uncertain significance. Review status: criteria provided, multiple submitters, no conflicts (2 of 4 stars). 2 submissions from 2 submitters: Uncertain significance (2). Last evaluated 2025-08-11.

Conditions:
Inborn genetic diseases. Identifiers: MedGen C0950123, MeSH D030342.

Allele frequency attached by ClinVar (database versions not stated): gnomAD exomes 0.00001 and 0.00002; ExAC 0.00003; gnomAD 0.00003 and 0.00004; TOPMed 0.00006; 1000 Genomes Project 30x 0.00031.
gnomAD v4.1: 16 of 1,614,024 alleles (0.00099%); highest among the groups gnomAD compares: African/African-American, 0.0053%; no homozygotes.

Submissions (2):

Ambry Genetics
Classification: Uncertain significance for Inborn genetic diseases. Last evaluated: 2025-08-11. Review status: criteria provided, single submitter. Criteria: Ambry Variant Classification Scheme 2023. Collection method: clinical testing. Allele origin: germline.

Labcorp Genetics (formerly Invitae), Labcorp
Classification: Uncertain significance. Last evaluated: 2024-01-17. Review status: criteria provided, single submitter. Criteria: Invitae Variant Classification Sherloc (09022015). Collection method: clinical testing. Allele origin: germline.
Comment: This sequence change replaces arginine, which is basic and polar, with tryptophan, which is neutral and slightly polar, at codon 312 of the KIAA0753 protein (p.Arg312Trp). This variant is present in population databases (rs199499810, gnomAD 0.006%). This variant has not been reported in the literature in individuals affected with KIAA0753-related conditions. ClinVar contains an entry for this variant (Variation ID: 1440474). An algorithm developed to predict the effect of missense changes on protein structure and function (PolyPhen-2) suggests that this variant is likely to be disruptive. In summary, the available evidence is currently insufficient to determine the role of this variant in disease. Therefore, it has been classified as a Variant of Uncertain Significance.